The following is an entry in ClinVar:

NM_014915.3(ANKRD26):c.283G>A (p.Val95Ile)

Gene: ANKRD26 (ankyrin repeat domain 26; minus strand). Cytogenetic location: 10p12.1.
Variant type: single nucleotide variant.
Coding change: c.283G>A on transcript NM_014915.3 (MANE Select); coding-DNA position 283, G replaced by A.
Protein change: p.Val95Ile; replaces valine 95 with isoleucine.
Molecular consequence: missense variant.
Genome position (GRCh38, 1-based): chr10:27,093,759, C>T on the plus strand (G>A on the coding strand, the complement: ANKRD26 is on the minus strand). VCF-style: chr10-27093759-C-T. GRCh37 (hg19) VCF-style: chr10-27382688-C-T.
Other names: c.283G>A, p.Val95Ile (NM_001256053.2); short protein forms V95I.
Identifiers: ClinVar variation 3396475 (VCV003396475.3).

ClinVar aggregate classification (germline): Uncertain significance. Review status: criteria provided, multiple submitters, no conflicts (2 of 4 stars). 2 submissions from 2 submitters: Uncertain significance (2). Last evaluated 2024-11-30.

Conditions:
Inborn genetic diseases. Identifiers: MedGen C0950123, MeSH D030342.

gnomAD v4.1: 5 of 1,614,114 alleles (0.00031%); highest among the groups gnomAD compares: Non-Finnish European, 0.00042%; no homozygotes.

Submissions (2):

Ambry Genetics
Classification: Uncertain significance for Inborn genetic diseases. Last evaluated: 2024-11-30. Review status: criteria provided, single submitter. Criteria: Ambry Variant Classification Scheme 2023. Collection method: clinical testing. Allele origin: germline.
Comment: The p.V95I variant (also known as c.283G>A), located in coding exon 2 of the ANKRD26 gene, results from a G to A substitution at nucleotide position 283. The valine at codon 95 is replaced by isoleucine, an amino acid with highly similar properties. This amino acid position is conserved. In addition, this alteration is predicted to be tolerated by in silico analysis. Based on the available evidence, the clinical significance of this variant remains unclear.

Labcorp Genetics (formerly Invitae), Labcorp
Classification: Uncertain significance. Last evaluated: 2024-04-08. Review status: criteria provided, single submitter. Criteria: Invitae Variant Classification Sherloc (09022015). Collection method: clinical testing. Allele origin: germline.
Comment: This sequence change replaces valine, which is neutral and non-polar, with isoleucine, which is neutral and non-polar, at codon 95 of the ANKRD26 protein (p.Val95Ile). This variant is present in population databases (rs370319756, gnomAD 0.0009%). This variant has not been reported in the literature in individuals affected with ANKRD26-related conditions. An algorithm developed to predict the effect of missense changes on protein structure and function (PolyPhen-2) suggests that this variant is likely to be disruptive. In summary, the available evidence is currently insufficient to determine the role of this variant in disease. Therefore, it has been classified as a Variant of Uncertain Significance.